The following is an entry in ClinVar:

NM_016122.3(CEP83):c.835_837delinsTGC (p.Arg279Cys)

Gene: CEP83 (centrosomal protein 83; minus strand). Cytogenetic location: 12q22.
Variant type: Indel.
Coding change: c.835_837delinsTGC on transcript NM_016122.3 (MANE Select); coding-DNA positions 835 to 837, CGT replaced by TGC.
Protein change: p.Arg279Cys; replaces arginine 279 with cysteine.
Molecular consequence: missense variant. On other transcripts: non-coding transcript variant (2).
Genome position (GRCh38, 1-based): chr12:94,375,982-94,375,984, ACG replaced by GCA on the plus strand (CGT replaced by TGC on the coding strand, the reverse complement: CEP83 is on the minus strand). VCF-style: chr12-94375982-ACG-GCA. GRCh37 (hg19) VCF-style: chr12-94769758-ACG-GCA.
Other names: c.835_837delinsTGC, p.Arg279Cys (NM_001042399.2, NM_001346457.2, NM_001346460.2 and 3 more transcripts); c.523_525delinsTGC, p.Arg175Cys (NM_001346458.2, NM_001346459.2, NM_001346462.2 and 2 more transcripts); c.610_612delinsTGC, p.Arg204Cys (NM_001368041.1); c.298_300delinsTGC, p.Arg100Cys (NM_001368042.1); short protein forms R100C, R175C, R204C, R279C.
Identifiers: ClinVar variation 2446064 (VCV002446064.3), dbSNP rs2541791457, ClinGen allele CA2580086749.
Genomic context (GRCh38, chr12:94,375,982, plus strand): 5'-ATGCAATTTATTAATTAAAAAGGTATTTTGTTCACTGCTTGATTGTAGCTCTTTTTCCAA[ACG>GCA]TTCTGCCCGTAAATTAGCTGATTGTTTTTCAGCCTTTCATACAAACAAAATAGTTTAAAA-3'
Protein context (NP_057206.2, residues 269-289): EKQSANLRAE[Arg279Cys]LEKELQSSSE

ClinVar aggregate classification (germline): Uncertain significance. Review status: criteria provided, multiple submitters, no conflicts (2 of 4 stars). 2 submissions from 2 submitters: Uncertain significance (2). Last evaluated 2026-06-04.

Submissions (2):

GeneDx
Classification: Uncertain significance. Last evaluated: 2026-06-04. Review status: criteria provided, single submitter. Criteria: GeneDx Variant Classification Process June 2021. Collection method: clinical testing. Allele origin: germline.
Comment: In silico analysis supports a deleterious effect on protein structure/function; Has not been previously published as pathogenic or benign to our knowledge

Blueprint Genetics
Classification: Uncertain significance. Last evaluated: 2022-05-19. Review status: criteria provided, single submitter. Criteria: ACMG Guidelines, 2015. Collection method: clinical testing. Allele origin: germline.